The following is an entry in ClinVar:

NM_001122681.2(SH3BP2):c.256G>T (p.Glu86Ter)

Gene: SH3BP2 (SH3 domain binding protein 2; plus strand). Cytogenetic location: 4p16.3.
Variant type: single nucleotide variant.
Coding change: c.256G>T on transcript NM_001122681.2 (MANE Select); coding-DNA position 256, G replaced by T.
Protein change: p.Glu86Ter; replaces glutamic acid 86 with a stop codon.
Molecular consequence: nonsense.
Genome position (GRCh38, 1-based): chr4:2,824,629, G>T. VCF-style: chr4-2824629-G-T. GRCh37 (hg19) VCF-style: chr4-2826356-G-T.
Other names: c.340G>T, p.Glu114Ter (NM_001145855.2); c.427G>T, p.Glu143Ter (NM_001145856.2); c.256G>T, p.Glu86Ter (NM_003023.4); short protein forms E114*, E143*, E86*.
Identifiers: ClinVar variation 1396055 (VCV001396055.6), dbSNP rs890566926, ClinGen allele CA91405088.

ClinVar aggregate classification (germline): Uncertain significance (1 of 4 stars; one submission).

Conditions:
Fibrous dysplasia of jaw (CRBM). Also called: Cherubism. Identifiers: Orphanet 184, MedGen C0008029, MONDO:0007315, OMIM 118400.

Allele frequency attached by ClinVar (database versions not stated): gnomAD exomes below 0.00001 and 0.00001.
gnomAD v4.1: 2 of 1,613,764 alleles (0.00012%); highest among the groups gnomAD compares: Non-Finnish European, 0.00017%; no homozygotes.

Submission:

Labcorp Genetics (formerly Invitae), Labcorp
Classification: Uncertain significance for Fibrous dysplasia of jaw. Last evaluated: 2025-01-01. Review status: criteria provided, single submitter. Criteria: Invitae Variant Classification Sherloc (09022015). Collection method: clinical testing. Allele origin: germline.
Comment: This sequence change creates a premature translational stop signal (p.Glu86*) in the SH3BP2 gene. It is expected to result in an absent or disrupted protein product. However, the current clinical and genetic evidence is not sufficient to establish whether loss-of-function variants in SH3BP2 cause disease. This variant is present in population databases (no rsID available, gnomAD 0.0009%). This variant has not been reported in the literature in individuals affected with SH3BP2-related conditions. ClinVar contains an entry for this variant (Variation ID: 1396055). Algorithms developed to predict the effect of sequence changes on RNA splicing suggest that this variant may create or strengthen a splice site. In summary, the available evidence is currently insufficient to determine the role of this variant in disease. Therefore, it has been classified as a Variant of Uncertain Significance.